The following is an entry in ClinVar:

NM_001267550.2(TTN):c.40489G>T (p.Glu13497Ter)

Gene: TTN (titin; minus strand). Cytogenetic location: 2q31.2.
Variant type: single nucleotide variant.
Coding change: c.40489G>T on transcript NM_001267550.2 (MANE Select); coding-DNA position 40489, G replaced by T.
Protein change: p.Glu13497Ter; replaces glutamic acid 13497 with a stop codon.
Molecular consequence: nonsense.
Genome position (GRCh38, 1-based): chr2:178,642,306, C>A on the plus strand (G>T on the coding strand, the complement: TTN is on the minus strand). VCF-style: chr2-178642306-C-A. GRCh37 (hg19) VCF-style: chr2-179507033-C-A.
Other names: c.35566G>T, p.Glu11856Ter (NM_001256850.1); c.13294G>T, p.Glu4432Ter (NM_003319.4); c.32785G>T, p.Glu10929Ter (NM_133378.4); c.13669G>T, p.Glu4557Ter (NM_133432.3); c.13870G>T, p.Glu4624Ter (NM_133437.4); short protein forms E4557*, E4624*, E10929*, E4432*, E11856*, E13497*.
Identifiers: ClinVar variation 2950618 (VCV002950618.4), dbSNP rs2471895234, ClinGen allele CA349664981.

ClinVar aggregate classification (germline): Likely pathogenic. Review status: criteria provided, multiple submitters, no conflicts (2 of 4 stars). 2 submissions from 2 submitters: Likely pathogenic (2). Last evaluated 2026-08-01.

Conditions:
Dilated cardiomyopathy 1G (CMD1G). Identifiers: Orphanet 154, MedGen C1858763, MONDO:0011400, OMIM 604145.
Autosomal recessive limb-girdle muscular dystrophy type 2J (LGMDR10). Also called: MUSCULAR DYSTROPHY, LIMB-GIRDLE, AUTOSOMAL RECESSIVE 10; Limb-girdle muscular dystrophy, type 2J. Identifiers: Orphanet 140922, MedGen C1837342, MONDO:0012127, OMIM 608807.

Submissions (2):

CeGaT Center for Human Genetics Tuebingen
Classification: Likely pathogenic. Last evaluated: 2026-08-01. Review status: criteria provided, single submitter. Criteria: CeGaT Center For Human Genetics Tuebingen Variant Classification Criteria Version 2. Collection method: clinical testing. Allele origin: germline. Affected: yes. Observed: 1 variant allele.
Comment: TTN: PVS1:Strong, PM2

Labcorp Genetics (formerly Invitae), Labcorp
Classification: Likely pathogenic for Dilated cardiomyopathy 1G; Autosomal recessive limb-girdle muscular dystrophy type 2J. Last evaluated: 2024-10-18. Review status: criteria provided, single submitter. Criteria: Invitae Variant Classification Sherloc (09022015). Collection method: clinical testing. Allele origin: germline.
Comment: This sequence change creates a premature translational stop signal (p.Glu13497*) in the TTN gene. While this is not anticipated to result in nonsense mediated decay, it is expected to create a truncated TTN protein. This variant is not present in population databases (gnomAD no frequency). This variant has not been reported in the literature in individuals affected with TTN-related conditions. Algorithms developed to predict the effect of sequence changes on RNA splicing suggest that this variant may disrupt the consensus splice site. This variant is located in the I band of TTN (PMID: 25589632). Truncating variants in this region have been reported in individuals affected with autosomal recessive centronuclear myopathy (PMID: 23975875, internal data). Truncating variants in this region have also been identified in individuals affected with autosomal dominant dilated cardiomyopathy and/or cardio-related conditions (PMID: 27869827, 32964742, internal data). In summary, the currently available evidence indicates that the variant is pathogenic, but additional data are needed to prove that conclusively. Therefore, this variant has been classified as Likely Pathogenic.

Literature cited by the submitters: PubMed 25589632 (cited by Labcorp Genetics (formerly Invitae), Labcorp); PubMed 23975875 (cited by Labcorp Genetics (formerly Invitae), Labcorp); PubMed 27869827 (cited by Labcorp Genetics (formerly Invitae), Labcorp); PubMed 32964742 (cited by Labcorp Genetics (formerly Invitae), Labcorp).